The following is an entry in ClinVar:

NM_000329.3(RPE65):c.596del (p.Asn199fs)

Gene: RPE65 (retinoid isomerohydrolase RPE65; minus strand). Cytogenetic location: 1p31.3.
Variant type: Deletion.
Coding change: c.596del on transcript NM_000329.3 (MANE Select); coding-DNA position 596, one base deleted (A; older notation c.596delA).
Protein change: p.Asn199fs; shifts the reading frame from asparagine 199.
Molecular consequence: frameshift variant.
Genome position (GRCh38, 1-based): chr1:68,440,900, T deleted on the plus strand (A on the coding strand, the reverse complement: RPE65 is on the minus strand); the first of 6 consecutive T bases (chr1:68,440,900-68,440,905); deleting any one gives the same sequence. VCF-style (leftmost placement, unchanged base first): chr1-68440899-AT-A. GRCh37 (hg19) VCF-style: chr1-68906582-AT-A.
Other names: c.488del, p.Asn163fs (NM_001406853.1); c.320del, p.Asn107fs (NM_001406856.1, NM_001406857.1); c.596del, p.Asn199fs (NM_001406859.1); c.596del (NM_000329.2); short protein forms N199fs, N163fs, N107fs.
Identifiers: ClinVar variation 2952606 (VCV002952606.4), dbSNP rs2523432243, ClinGen allele CA2646150110.

ClinVar aggregate classification (germline): Pathogenic/Likely pathogenic. Review status: criteria provided, multiple submitters, no conflicts (2 of 4 stars). 2 submissions from 2 submitters: Pathogenic (1); Likely pathogenic (1). Last evaluated 2024-07-23.

Conditions:
Retinitis pigmentosa 20 (RP20). Identifiers: Orphanet 791, MedGen C3151086, MONDO:0013425, OMIM 613794.
Leber congenital amaurosis 2 (LCA2). Also called: Autosomal Recessive RPE65-Related Retinal Degeneration; AMAUROSIS CONGENITA OF LEBER II. Identifiers: Orphanet 65, MedGen C1859844, MONDO:0008765, OMIM 204100. Disease mechanism: loss of function.
Leber congenital amaurosis (LCA). Also called: Leber's amaurosis. Identifiers: Orphanet 65, MedGen C0339527, MeSH D057130, MONDO:0018998.

Submissions (2):

Natera, Inc.
Classification: Likely pathogenic for Leber congenital amaurosis. Last evaluated: 2024-07-23. Review status: criteria provided, single submitter. Criteria: Natera Variant Classification Schema (03/2026). Collection method: clinical testing. Allele origin: germline.
Comment: The c.596del variant in RPE65 is a frameshift variant predicted to shift the reading frame beginning at codon 199 and leads to a stop codon 9 codons downstream. This variant is expected to result in nonsense mediated decay, truncation, or a dysfunctional protein product. This variant is rare in the general population with a frequency below the threshold expected for the associated phenotype(s). Given the available evidence, this variant is classified as Likely Pathogenic.

Labcorp Genetics (formerly Invitae), Labcorp
Classification: Pathogenic for Leber congenital amaurosis 2; Retinitis pigmentosa 20. Last evaluated: 2023-10-06. Review status: criteria provided, single submitter. Criteria: Invitae Variant Classification Sherloc (09022015). Collection method: clinical testing. Allele origin: germline.
Comment: This sequence change creates a premature translational stop signal (p.Asn199Ilefs*9) in the RPE65 gene. It is expected to result in an absent or disrupted protein product. Loss-of-function variants in RPE65 are known to be pathogenic (PMID: 9326941, 9501220, 9843205, 18632300). This variant is not present in population databases (gnomAD no frequency). This variant has not been reported in the literature in individuals affected with RPE65-related conditions. For these reasons, this variant has been classified as Pathogenic.

Literature cited by the submitters: PubMed 9326941 (cited by Labcorp Genetics (formerly Invitae), Labcorp); PubMed 9501220 (cited by Labcorp Genetics (formerly Invitae), Labcorp); PubMed 9843205 (cited by Labcorp Genetics (formerly Invitae), Labcorp); PubMed 18632300 (cited by Labcorp Genetics (formerly Invitae), Labcorp).